The following is an entry in ClinVar:

ClinVar aggregate classification (germline): Pathogenic. Review status: criteria provided, multiple submitters, no conflicts (2 of 4 stars). 4 submissions from 4 submitters: Pathogenic (3). 1 of the submissions does not count toward it. Last evaluated 2025-03-31.

Conditions:
Otospondylomegaepiphyseal dysplasia, autosomal dominant (OSMEDA). Also called: Pierre Robin syndrome with fetal chondrodysplasia; Stickler syndrome, type 3; COL11A2-Related Stickler Syndrome. Identifiers: Orphanet 166100, Orphanet 3450, MedGen C1848488, MONDO:0008490, OMIM 184840.
Otospondylomegaepiphyseal dysplasia, autosomal recessive (OSMEDB). Also called: CHONDRODYSTROPHY WITH SENSORINEURAL DEAFNESS; Insley-Astley syndrome. Identifiers: Orphanet 1427, MedGen CN034493, MONDO:0044206, OMIM 215150.
Autosomal dominant nonsyndromic hearing loss 13. Identifiers: Orphanet 90635, MedGen C1866095, MONDO:0011159, OMIM 601868.
Fibrochondrogenesis 2 (FBCG2). Identifiers: Orphanet 2021, MedGen C3281128, MONDO:0013795, OMIM 614524.
Autosomal recessive nonsyndromic hearing loss 53. Identifiers: Orphanet 90636, MedGen C1864746, MONDO:0012333, OMIM 609706.

Allele frequency attached by ClinVar (database versions not stated): gnomAD 0.00001.
gnomAD v4.1: 18 of 1,612,622 alleles (0.0011%); highest among the groups gnomAD compares: African/African-American, 0.0027%; no homozygotes.

Submissions (4):

Labcorp Genetics (formerly Invitae), Labcorp
Classification: Pathogenic. Last evaluated: 2025-03-31. Review status: criteria provided, single submitter. Criteria: Invitae Variant Classification Sherloc (09022015). Collection method: clinical testing. Allele origin: germline.
Comment: This sequence change creates a premature translational stop signal (p.Arg1331*) in the COL11A2 gene. It is expected to result in an absent or disrupted protein product. Loss-of-function variants in COL11A2 are known to be pathogenic (PMID: 10677296, 21204229). This variant is present in population databases (rs121912951, gnomAD 0.01%). This premature translational stop signal has been observed in individual(s) with otospondylomegaepiphyseal dysplasia (PMID: 10677296). ClinVar contains an entry for this variant (Variation ID: 17128). For these reasons, this variant has been classified as Pathogenic.

GeneDx
Classification: Pathogenic. Last evaluated: 2024-04-03. Review status: criteria provided, single submitter. Criteria: GeneDx Variant Classification Process June 2021. Collection method: clinical testing. Allele origin: germline. Affected: yes.
Comment: Nonsense variant predicted to result in protein truncation or nonsense mediated decay in a gene for which loss of function is a known mechanism of disease; Not observed at significant frequency in large population cohorts (gnomAD); This variant is associated with the following publications: (PMID: 25525159, 15558753, 10677296)

Fulgent Genetics
Classification: Pathogenic for Otospondylomegaepiphyseal dysplasia, autosomal dominant; Otospondylomegaepiphyseal dysplasia, autosomal recessive; Autosomal dominant nonsyndromic hearing loss 13; Autosomal recessive nonsyndromic hearing loss 53; Fibrochondrogenesis 2. Last evaluated: 2022-05-03. Review status: criteria provided, single submitter. Criteria: ACMG Guidelines, 2015. Collection method: clinical testing. Allele origin: unknown.

OMIM
Classification: Pathogenic for OTOSPONDYLOMEGAEPIPHYSEAL DYSPLASIA, AUTOSOMAL RECESSIVE. Last evaluated: 2005-01-01. Review status: no assertion criteria provided. Collection method: literature only. Allele origin: germline. Not counted in ClinVar's aggregate classification.

Literature cited by the submitters: PubMed 10677296 (cited by Labcorp Genetics (formerly Invitae), Labcorp and OMIM); PubMed 21204229 (cited by Labcorp Genetics (formerly Invitae), Labcorp); PubMed 15558753 (cited by OMIM).

NM_080680.3(COL11A2):c.3991C>T (p.Arg1331Ter)

Gene: COL11A2 (collagen type XI alpha 2 chain; minus strand). Cytogenetic location: 6p21.32.
Variant type: single nucleotide variant.
Coding change: c.3991C>T on transcript NM_080680.3 (MANE Select); coding-DNA position 3991, C replaced by T.
Protein change: p.Arg1331Ter; replaces arginine 1331 with a stop codon.
Molecular consequence: nonsense.
Genome position (GRCh38, 1-based): chr6:33,167,822, G>A on the plus strand (C>T on the coding strand, the complement: COL11A2 is on the minus strand). VCF-style: chr6-33167822-G-A. GRCh37 (hg19) VCF-style: chr6-33135599-G-A.
Other names: R845*; c.3670C>T, p.Arg1224Ter (NM_080679.3); c.3733C>T, p.Arg1245Ter (NM_080681.3); c.3991C>T (NM_080680.2); short protein forms R1224*, R1245*, R1331*.
Identifiers: ClinVar variation 17128 (VCV000017128.8), dbSNP rs121912951, ClinGen allele CA127099.